The following is an entry in ClinVar:

ClinVar aggregate classification (germline): Likely benign. Review status: criteria provided, multiple submitters, no conflicts (2 of 4 stars). 3 submissions from 3 submitters: Likely benign (2). 1 of the submissions does not count toward it. Last evaluated 2025-10-22.

Conditions:
SAMD9L-related disorder. Also called: SAMD9L-related condition; SAMD9L-related disorders.
Inborn genetic diseases. Identifiers: MedGen C0950123, MeSH D030342.

Allele frequency attached by ClinVar (database versions not stated): gnomAD exomes below 0.00001 and 0.00001; ExAC 0.00001; TOPMed 0.00007; gnomAD 0.00008 and 0.00009; ESP Exome Variant Server 0.00015.
gnomAD v4.1: 16 of 1,612,420 alleles (0.00099%); highest among the groups gnomAD compares: African/African-American, 0.021%; no homozygotes.

Submissions (3):

Labcorp Genetics (formerly Invitae), Labcorp
Classification: Likely benign. Last evaluated: 2025-10-22. Review status: criteria provided, single submitter. Criteria: Invitae Variant Classification Sherloc (09022015). Collection method: clinical testing. Allele origin: germline.

Ambry Genetics
Classification: Likely benign for Inborn genetic diseases. Last evaluated: 2024-12-04. Review status: criteria provided, single submitter. Criteria: Ambry Variant Classification Scheme 2023. Collection method: clinical testing. Allele origin: germline.

PreventionGenetics, part of Exact Sciences
Classification: Likely benign for SAMD9L-related condition. Last evaluated: 2019-10-21. Review status: no assertion criteria provided. Collection method: clinical testing. Allele origin: germline. Not counted in ClinVar's aggregate classification.
Comment: This variant is classified as likely benign based on ACMG/AMP sequence variant interpretation guidelines (Richards et al. 2015 PMID: 25741868, with internal and published modifications).

NM_152703.5(SAMD9L):c.858G>A (p.Glu286=)

Gene: SAMD9L (sterile alpha motif domain containing 9 like; minus strand). Cytogenetic location: 7q21.2.
Variant type: single nucleotide variant.
Coding change: c.858G>A on transcript NM_152703.5 (MANE Select); coding-DNA position 858, G replaced by A.
Protein change: p.Glu286=; no amino-acid change (glutamic acid 286 retained).
Molecular consequence: synonymous variant.
Genome position (GRCh38, 1-based): chr7:93,135,114, C>T on the plus strand (G>A on the coding strand, the complement: SAMD9L is on the minus strand). VCF-style: chr7-93135114-C-T. GRCh37 (hg19) VCF-style: chr7-92764427-C-T.
Other names: c.858G>A (NM_152703.3, NM_152703.2); c.858G>A, p.Glu286= (NM_001303496.3, NM_001303497.3, NM_001303498.3 and 5 more transcripts).
Identifiers: ClinVar variation 1647947 (VCV001647947.11), dbSNP rs143690723, ClinGen allele CA4343802.
Genomic context (GRCh38, chr7:93,135,114, plus strand): 5'-TTCAATGACAAATCTGTCAGATGGTGTATTGTTCTGCAGAAGGACTTCCACAAACCTTGG[C>T]TCCCGAATACACTTCTTGGCTTCATTGATCTCACTTTCTTCAAAATACTTTTTGATCATT-3'
Protein context (NP_689916.2, residues 276-296): EINEAKKCIR[Glu286=]PRFVEVLLQN